The following is an entry in ClinVar:

ClinVar aggregate classification (germline): Pathogenic (1 of 4 stars; one submission).

Conditions:
Ellis-van Creveld syndrome (EVC). Also called: MESOECTODERMAL DYSPLASIA; Chondroectodermal dysplasia; EVC-Related Ellis-van Creveld Syndrome; EVC2-Related Ellis-van Creveld Syndrome. Identifiers: Orphanet 289, MedGen C0013903, MONDO:0009162, OMIM 225500.
Curry-Hall syndrome (WAD). Also called: WEYERS ACRODENTAL DYSOSTOSIS. Identifiers: Orphanet 952, MedGen C0457013, MONDO:0008673, OMIM 193530.

Submission:

Labcorp Genetics (formerly Invitae), Labcorp
Classification: Pathogenic for Curry-Hall syndrome; Ellis-van Creveld syndrome. Last evaluated: 2023-05-07. Review status: criteria provided, single submitter. Criteria: Invitae Variant Classification Sherloc (09022015). Collection method: clinical testing. Allele origin: unknown.
Comment: For these reasons, this variant has been classified as Pathogenic. This variant disrupts a region of the EVC2 protein in which other variant(s) (p.Ser1220Argfs*3) have been determined to be pathogenic (PMID: 12571802, 19810119). This suggests that this is a clinically significant region of the protein, and that variants that disrupt it are likely to be disease-causing. This variant has not been reported in the literature in individuals affected with EVC2-related conditions. This variant results in the deletion of exons 18-22 and part of exon 17 (c.2898_*106294del) of the EVC2 gene. While this deletion is not anticipated to lead to nonsense mediated decay, it is expected to alter mRNA translation or result in a truncated protein product.

Literature cited by the submitters: PubMed 12571802; PubMed 19810119.

NC_000004.11:g.(?_5458281)_(5586509_?)del

Genes: EVC2 (EvC ciliary complex subunit 2; minus strand), LINC01587 (long intergenic non-protein coding RNA 1587; plus strand), STK32B (serine/threonine kinase 32B; plus strand). Cytogenetic location: 4p16.2.
Variant type: Deletion.
Identifiers: ClinVar variation 3246634 (VCV003246634.1).